The following is an entry in ClinVar:

NM_032237.5(POMK):c.129C>T (p.Ile43=)

Gene: POMK (protein O-mannose kinase; plus strand). Cytogenetic location: 8p11.21.
Variant type: single nucleotide variant.
Coding change: c.129C>T on transcript NM_032237.5 (MANE Select); coding-DNA position 129, C replaced by T.
Protein change: p.Ile43=; no amino-acid change (isoleucine 43 retained).
Molecular consequence: synonymous variant.
Genome position (GRCh38, 1-based): chr8:43,103,677, C>T. VCF-style: chr8-43103677-C-T. GRCh37 (hg19) VCF-style: chr8-42958820-C-T.
Other names: c.129C>T, p.Ile43= (NM_001277971.2).
Identifiers: ClinVar variation 732591 (VCV000732591.17), dbSNP rs761324803, ClinGen allele CA4736204.

ClinVar aggregate classification (germline): Likely benign. Review status: criteria provided, multiple submitters, no conflicts (2 of 4 stars). 3 submissions from 3 submitters: Likely benign (3). Last evaluated 2025-04-27.

Conditions:
Muscular dystrophy-dystroglycanopathy (congenital with brain and eye anomalies), type a, 12 (MDDGA12). Also called: WALKER-WARBURG SYNDROME OR MUSCLE-EYE-BRAIN DISEASE, POMK-RELATED. Identifiers: Orphanet 899, MedGen C3808964, MONDO:0014101, OMIM 615249.
Limb-girdle muscular dystrophy due to POMK deficiency. Also called: MUSCULAR DYSTROPHY-DYSTROGLYCANOPATHY, LIMB-GIRDLE, POMK-RELATED; Muscular dystrophy-dystroglycanopathy (limb-girdle), type c, 12. Identifiers: Orphanet 445110, MedGen C4015184, MONDO:0014489, OMIM 616094.

Allele frequency attached by ClinVar (database versions not stated): gnomAD exomes 0.00001 and 0.00003; TOPMed 0.00001; ExAC 0.00003; gnomAD 0.00003.
gnomAD v4.1: 21 of 1,613,912 alleles (0.0013%); highest among the groups gnomAD compares: Middle Eastern, 0.016%; no homozygotes.

Submissions (3):

Labcorp Genetics (formerly Invitae), Labcorp
Classification: Likely benign for Muscular dystrophy-dystroglycanopathy (congenital with brain and eye anomalies), type a, 12; Limb-girdle muscular dystrophy due to POMK deficiency. Last evaluated: 2025-04-27. Review status: criteria provided, single submitter. Criteria: Invitae Variant Classification Sherloc (09022015). Collection method: clinical testing. Allele origin: germline.

CeGaT Center for Human Genetics Tuebingen
Classification: Likely benign. Last evaluated: 2025-03-01. Review status: criteria provided, single submitter. Criteria: CeGaT Center For Human Genetics Tuebingen Variant Classification Criteria Version 2. Collection method: clinical testing. Allele origin: germline. Affected: yes. Observed: 1 variant allele.
Comment: POMK: BP4, BP7

Breakthrough Genomics
Classification: Likely benign. Review status: criteria provided, single submitter. Criteria: ACMG Guidelines, 2015. Collection method: not provided. Allele origin: germline. Inheritance: Autosomal recessive inheritance. Affected: yes.